The following is an entry in ClinVar:

NM_000123.4(ERCC5):c.2413G>A (p.Gly805Arg)

Genes: BIVM-ERCC5 (BIVM-ERCC5 readthrough; plus strand), ERCC5 (ERCC excision repair 5, endonuclease; plus strand), LOC126861834 (BRD4-independent group 4 enhancer GRCh37_chr13:103518038-103519237; plus strand). Cytogenetic location: 13q33.1.
Variant type: single nucleotide variant.
Coding change: c.2413G>A on transcript NM_000123.4 (MANE Select); coding-DNA position 2413, G replaced by A.
Protein change: p.Gly805Arg; replaces glycine 805 with arginine.
Molecular consequence: missense variant.
Genome position (GRCh38, 1-based): chr13:102,866,725, G>A. VCF-style: chr13-102866725-G-A. GRCh37 (hg19) VCF-style: chr13-103519075-G-A.
Other names: c.3775G>A, p.Gly1259Arg (NM_001204425.2); short protein forms G1259R, G805R.
Identifiers: ClinVar variation 932539 (VCV000932539.47), dbSNP rs899478069, ClinGen allele CA255229275.

ClinVar aggregate classification (germline): Pathogenic/Likely pathogenic. Review status: criteria provided, multiple submitters, no conflicts (2 of 4 stars). 4 submissions from 4 submitters: Pathogenic (2); Likely pathogenic (2). Last evaluated 2026-01-12.

Conditions:
Xeroderma pigmentosum (XP). Identifiers: Orphanet 910, MedGen C0043346, MONDO:0019600.

Allele frequency attached by ClinVar (database versions not stated): gnomAD 0.00001; gnomAD exomes 0.00001; TOPMed 0.00002.
gnomAD v4.1: 14 of 1,614,146 alleles (0.00087%); highest among the groups gnomAD compares: South Asian, 0.0055%; no homozygotes.

Submissions (4):

Labcorp Genetics (formerly Invitae), Labcorp
Classification: Pathogenic. Last evaluated: 2026-01-12. Review status: criteria provided, single submitter. Criteria: Invitae Variant Classification Sherloc (09022015). Collection method: clinical testing. Allele origin: germline.
Comment: This sequence change replaces glycine, which is neutral and non-polar, with arginine, which is basic and polar, at codon 805 of the ERCC5 protein (p.Gly805Arg). This variant is present in population databases (no rsID available, gnomAD 0.006%). This missense change has been observed in individual(s) with clinical features of xeroderma pigmentosum/Cockayne Syndrome (PMID: 23370536, 37848274; internal data). ClinVar contains an entry for this variant (Variation ID: 932539). An algorithm developed to predict the effect of missense changes on protein structure and function (PolyPhen-2) suggests that this variant is likely to be disruptive. Experimental studies have shown that this missense change affects ERCC5 function (PMID: 23370536). For these reasons, this variant has been classified as Pathogenic.

Clinical Genetics Laboratory, Skane University Hospital Lund
Classification: Likely pathogenic. Last evaluated: 2023-09-15. Review status: criteria provided, single submitter. Criteria: ACMG Guidelines, 2015. Collection method: clinical testing. Allele origin: germline. Affected: yes.

Women's Health and Genetics/Laboratory Corporation of America, LabCorp
Classification: Likely pathogenic for Xeroderma pigmentosum. Last evaluated: 2022-02-01. Review status: criteria provided, single submitter. Criteria: LabCorp Variant Classification Summary - May 2015. Collection method: clinical testing. Allele origin: germline.
Comment: Variant summary: ERCC5 c.2413G>A (p.Gly805Arg) results in a non-conservative amino acid change located in the XPG-I domain (IPR006086) of the encoded protein sequence. Five of five in-silico tools predict a damaging effect of the variant on protein function. The variant allele was found at a frequency of 1.2e-05 in 251418 control chromosomes. c.2413G>A has been reported in the literature as a homozygous genotype in at-least one individual affected with Xeroderma Pigmentosum/Cockayne syndrome (example, Schafer_2013). These data indicate that the variant may be associated with disease. At least two publications report experimental evidence evaluating an impact on protein function (example, Schafer_2013, Tsutakawa_2020). The most pronounced variant effect results in abolishment of nucleotide excision repair (NER) activity and impaired interaction with TFIIH subunits XPD and cdk7 thereby impacting transcription activity. One clinical diagnostic laboratory has submitted clinical-significance assessments for this variant to ClinVar after 2014 without evidence for independent evaluation and classified the variant as pathogenic. Based on the evidence outlined above, the variant was classified as likely pathogenic.

CeGaT Center for Human Genetics Tuebingen
Classification: Pathogenic. Last evaluated: 2020-06-01. Review status: criteria provided, single submitter. Criteria: CeGaT Center For Human Genetics Tuebingen Variant Classification Criteria Version 2. Collection method: clinical testing. Allele origin: germline. Affected: yes. Observed: 1 variant allele.

Literature cited by the submitters: PubMed 23370536 (cited by Labcorp Genetics (formerly Invitae), Labcorp and Women's Health and Genetics/Laboratory Corporation of America, LabCorp); PubMed 37848274 (cited by Labcorp Genetics (formerly Invitae), Labcorp); PubMed 29749609 (cited by Women's Health and Genetics/Laboratory Corporation of America, LabCorp); PubMed 32522879 (cited by Women's Health and Genetics/Laboratory Corporation of America, LabCorp).